The following is an entry in ClinVar:

ClinVar aggregate classification (germline): Pathogenic/Likely pathogenic. Review status: criteria provided, multiple submitters, no conflicts (2 of 4 stars). 4 submissions from 4 submitters: Pathogenic (2); Likely pathogenic (2). Last evaluated 2026-08-25.

Conditions:
Neurofibromatosis, type 1 (NF1). Also called: NEUROFIBROMATOSIS, TYPE I, SOMATIC; VON RECKLINGHAUSEN DISEASE; Peripheral type neurofibromatosis; Neurofibromatosis, type I. Identifiers: Orphanet 636, MedGen C0027831, MONDO:0018975, OMIM 162200. Disease mechanism: loss of function.
Hereditary cancer-predisposing syndrome. Also called: Hereditary neoplastic syndrome; Neoplastic Syndromes, Hereditary; Hereditary Cancer Syndrome; Tumor predisposition. Identifiers: Orphanet 140162, MedGen C0027672, MeSH D009386, MONDO:0015356.
Cardiovascular phenotype. Identifiers: MedGen CN230736.

Submissions (4):

GeneDx
Classification: Likely pathogenic. Last evaluated: 2026-08-25. Review status: criteria provided, single submitter. Criteria: GeneDx Variant Classification Process June 2021. Collection method: clinical testing. Allele origin: germline.
Comment: In silico analysis supports that this missense variant has a deleterious effect on protein structure/function; Not observed at significant frequency in large population cohorts (gnomAD); This variant is associated with the following publications: (PMID: 27838393, 32575496)

Ambry Genetics
Classification: Pathogenic for Cardiovascular phenotype; Hereditary cancer-predisposing syndrome. Last evaluated: 2025-11-25. Review status: criteria provided, single submitter. Criteria: Ambry Variant Classification Scheme 2023. Collection method: clinical testing. Allele origin: germline.
Comment: The p.L1957P pathogenic mutation (also known as c.5870T>C), located in coding exon 39 of the NF1 gene, results from a T to C substitution at nucleotide position 5870. The leucine at codon 1957 is replaced by proline, an amino acid with similar properties. This variant was reported in individual(s) with features consistent with neurofibromatosis type 1 (NF1); in at least one individual, it was determined to be de novo (Cal&igrave; F et al. Eur J Med Genet, 2017 Feb;60:93-99; Bianchessi D et al. Genes (Basel), 2020 Jun;11; External Communication, Ambry Internal Data). This missense alteration is located in a region that has a low rate of benign missense variation (Lek M et al. Nature. 2016 Aug 18;536(7616):285-91; DECIPHER: Database of Chromosomal Imbalance and Phenotype in Humans using Ensembl Resources. Firth H.V. et al. 2009. Am.J.Hum.Genet. 84, 524-533 (DOI)). This amino acid position is highly conserved in available vertebrate species. In addition, this alteration is predicted to be deleterious by in silico analysis. This variant is considered to be rare based on population cohorts in the Genome Aggregation Database (gnomAD). Based on the supporting evidence, this variant is interpreted as a disease-causing mutation.

Labcorp Genetics (formerly Invitae), Labcorp
Classification: Pathogenic for Neurofibromatosis, type 1. Last evaluated: 2023-12-09. Review status: criteria provided, single submitter. Criteria: Invitae Variant Classification Sherloc (09022015). Collection method: clinical testing. Allele origin: germline.
Comment: This sequence change replaces leucine, which is neutral and non-polar, with proline, which is neutral and non-polar, at codon 1957 of the NF1 protein (p.Leu1957Pro). This variant is not present in population databases (gnomAD no frequency). This missense change has been observed in individual(s) with clinical features of neurofibromatosis type 1 (PMID: 27838393, 32575496; Invitae). In at least one individual the variant was observed to be de novo. ClinVar contains an entry for this variant (Variation ID: 954354). Advanced modeling of protein sequence and biophysical properties (such as structural, functional, and spatial information, amino acid conservation, physicochemical variation, residue mobility, and thermodynamic stability) performed at Invitae indicates that this missense variant is expected to disrupt NF1 protein function with a positive predictive value of 95%. For these reasons, this variant has been classified as Pathogenic.

Genome Diagnostics Laboratory, The Hospital for Sick Children
Classification: Likely pathogenic for Neurofibromatosis, type 1. Last evaluated: 2020-10-26. Review status: criteria provided, single submitter. Criteria: ACMG Guidelines, 2015. Collection method: clinical testing. Allele origin: germline. Affected: yes.

Literature cited by the submitters: PubMed 27838393 (cited by Ambry Genetics and Labcorp Genetics (formerly Invitae), Labcorp); PubMed 32575496 (cited by Ambry Genetics and Labcorp Genetics (formerly Invitae), Labcorp).

NM_001042492.3(NF1):c.5933T>C (p.Leu1978Pro)

Gene: NF1 (neurofibromin 1; plus strand). Cytogenetic location: 17q11.2.
Variant type: single nucleotide variant.
Coding change: c.5933T>C on transcript NM_001042492.3 (MANE Select); coding-DNA position 5933, T replaced by C.
Protein change: p.Leu1978Pro; replaces leucine 1978 with proline.
Molecular consequence: missense variant.
Genome position (GRCh38, 1-based): chr17:31,334,958, T>C. VCF-style: chr17-31334958-T-C. GRCh37 (hg19) VCF-style: chr17-29661976-T-C.
Other names: c.5870T>C, p.Leu1957Pro (NM_000267.4); short protein forms L1978P, L1957P.
Identifiers: ClinVar variation 954354 (VCV000954354.18), dbSNP rs2069606635, ClinGen allele CA399010818.